The following is an entry in ClinVar:

ClinVar aggregate classification (germline): Pathogenic (1 of 4 stars; one submission).

Allele frequency attached by ClinVar (database versions not stated): gnomAD 0.00001; gnomAD exomes 0.00001.
gnomAD v4.1: 4 of 1,608,168 alleles (0.00025%); highest among the groups gnomAD compares: Admixed American, 0.005%; no homozygotes.

Submission:

GeneDx
Classification: Pathogenic. Last evaluated: 2022-09-27. Review status: criteria provided, single submitter. Criteria: GeneDx Variant Classification Process June 2021. Collection method: clinical testing. Allele origin: germline. Affected: yes.
Comment: Nonsense variant predicted to result in protein truncation or nonsense mediated decay in a gene for which loss of function is a known mechanism of disease; This variant is associated with the following publications: (PMID: 31879361)

NM_018076.5(ODAD2):c.1283C>G (p.Ser428Ter)

Gene: ODAD2 (outer dynein arm docking complex subunit 2; minus strand). Cytogenetic location: 10p12.1.
Variant type: single nucleotide variant.
Coding change: c.1283C>G on transcript NM_018076.5 (MANE Select); coding-DNA position 1283, C replaced by G.
Protein change: p.Ser428Ter; replaces serine 428 with a stop codon.
Molecular consequence: nonsense. On other transcripts: 5 prime UTR variant (1).
Genome position (GRCh38, 1-based): chr10:27,961,671, G>C on the plus strand (C>G on the coding strand, the complement: ODAD2 is on the minus strand). VCF-style: chr10-27961671-G-C. GRCh37 (hg19) VCF-style: chr10-28250600-G-C.
Other names: c.1283C>G, p.Ser428Ter (NM_001290020.2); c.-143C>G (NM_001290021.2); c.359C>G, p.Ser120Ter (NM_001312689.2); short protein forms S120*, S428*.
Identifiers: ClinVar variation 2446288 (VCV002446288.1), dbSNP rs138508233, ClinGen allele CA376394840.